The following is an entry in ClinVar:

NM_000552.5(VWF):c.4894C>T (p.Pro1632Ser)

Gene: VWF (von Willebrand factor; minus strand). Cytogenetic location: 12p13.31.
Variant type: single nucleotide variant.
Coding change: c.4894C>T on transcript NM_000552.5 (MANE Select); coding-DNA position 4894, C replaced by T.
Protein change: p.Pro1632Ser; replaces proline 1632 with serine.
Molecular consequence: missense variant.
Genome position (GRCh38, 1-based): chr12:6,018,524, G>A on the plus strand (C>T on the coding strand, the complement: VWF is on the minus strand). VCF-style: chr12-6018524-G-A. GRCh37 (hg19) VCF-style: chr12-6127690-G-A.
Other names: short protein forms P1632S.
Identifiers: ClinVar variation 1712651 (VCV001712651.2), dbSNP rs2497512396, ClinGen allele CA383498748.
Genomic context (GRCh38, chr12:6,018,524, plus strand): 5'-GGATGAGGATAGGGGCATTGGGCCAGCCAATCCTCTCCAGCTCCTGCACGTTGGCATTAG[G>A]GCCCACTCCAATGGGCACCACCTGGATGTCTCCAGGCAGCCTCTTGATCTCATCAGAGGC-3'
Protein context (NP_000543.3, residues 1622-1642): DIQVVPIGVG[Pro1632Ser]NANVQELERI

ClinVar aggregate classification (germline): Uncertain significance (1 of 4 stars; one submission).

Submission:

GeneDx
Classification: Uncertain significance. Last evaluated: 2022-04-29. Review status: criteria provided, single submitter. Criteria: GeneDx Variant Classification Process June 2021. Collection method: clinical testing. Allele origin: germline. Affected: yes.
Comment: Not observed at significant frequency in large population cohorts (gnomAD); In silico analysis supports that this missense variant has a deleterious effect on protein structure/function; Has not been previously published as pathogenic or benign to our knowledge